The following is an entry in ClinVar:

NM_002907.4(RECQL):c.417A>G (p.Pro139=)

Gene: RECQL (RecQ like helicase; minus strand). Cytogenetic location: 12p12.1.
Variant type: single nucleotide variant.
Coding change: c.417A>G on transcript NM_002907.4 (MANE Select); coding-DNA position 417, A replaced by G.
Protein change: p.Pro139=; no amino-acid change (proline 139 retained).
Molecular consequence: synonymous variant.
Genome position (GRCh38, 1-based): chr12:21,486,563, T>C on the plus strand (A>G on the coding strand, the complement: RECQL is on the minus strand). VCF-style: chr12-21486563-T-C. GRCh37 (hg19) VCF-style: chr12-21639497-T-C.
Other names: c.417A>G, p.Pro139= (NM_032941.3).
Identifiers: ClinVar variation 682573 (VCV000682573.13), dbSNP rs147788426, ClinGen allele CA6479081.
Genomic context (GRCh38, chr12:21,486,563, plus strand): 5'-GGTTGCTGAAATTCCTAATTGTTTTAAAACCATTAATTGGTCTTCCATAAGAGAGATCAA[T>C]GGGCAAATGACGAGTGTAAAACCTAAAAGAGAAAAAAAAAAAAATCTACCTTAAACTTTA-3'
Protein context (NP_002898.2, residues 129-149): CSDGFTLVIC[Pro139=]LISLMEDQLM

ClinVar aggregate classification (germline): Benign/Likely benign. Review status: criteria provided, multiple submitters, no conflicts (2 of 4 stars). 4 submissions from 4 submitters: Benign (1); Likely benign (3). Last evaluated 2025-05-26.

Allele frequency attached by ClinVar (database versions not stated): gnomAD exomes 0.00003 and 0.00009; ExAC 0.00011; TOPMed 0.00019; ESP Exome Variant Server 0.00023; 1000 Genomes Project 30x 0.00031; gnomAD 0.00033 and 0.00034; 1000 Genomes Project 0.00040.
gnomAD v4.1: 89 of 1,561,300 alleles (0.0057%); highest among the groups gnomAD compares: African/African-American, 0.11%; 1 homozygote.

Submissions (4):

Labcorp Genetics (formerly Invitae), Labcorp
Classification: Likely benign. Last evaluated: 2025-05-26. Review status: criteria provided, single submitter. Criteria: Invitae Variant Classification Sherloc (09022015). Collection method: clinical testing. Allele origin: germline.

Quest Diagnostics Nichols Institute San Juan Capistrano
Classification: Benign. Last evaluated: 2022-09-28. Review status: criteria provided, single submitter. Criteria: Quest Diagnostics criteria. Collection method: clinical testing. Allele origin: unknown.

Ambry Genetics
Classification: Likely benign. Last evaluated: 2022-02-27. Review status: criteria provided, single submitter. Criteria: Ambry Variant Classification Scheme 2023. Collection method: clinical testing. Allele origin: germline.

GeneDx
Classification: Likely benign. Last evaluated: 2018-04-26. Review status: criteria provided, single submitter. Criteria: GeneDx Variant Classification (06012015). Collection method: clinical testing. Allele origin: germline. Affected: yes.
Comment: This variant is considered likely benign or benign based on one or more of the following criteria: it is a conservative change, it occurs at a poorly conserved position in the protein, it is predicted to be benign by multiple in silico algorithms, and/or has population frequency not consistent with disease.